The following is an entry in ClinVar:

NM_001243133.2(NLRP3):c.2812G>A (p.Asp938Asn)

Gene: NLRP3 (NLR family pyrin domain containing 3; plus strand). Cytogenetic location: 1q44.
Variant type: single nucleotide variant.
Coding change: c.2812G>A on transcript NM_001243133.2 (MANE Select); coding-DNA position 2812, G replaced by A.
Protein change: p.Asp938Asn; replaces aspartic acid 938 with asparagine.
Molecular consequence: missense variant.
Genome position (GRCh38, 1-based): chr1:247,444,120, G>A. VCF-style: chr1-247444120-G-A. GRCh37 (hg19) VCF-style: chr1-247607422-G-A.
Other names: c.2812G>A, p.Asp938Asn (NM_001079821.3); c.2641G>A, p.Asp881Asn (NM_001127461.3, NM_001127462.3); c.2818G>A, p.Asp940Asn (NM_004895.5); c.2470G>A, p.Asp824Asn (NM_183395.3); short protein forms D824N, D881N, D938N, D940N.
Identifiers: ClinVar variation 1694436 (VCV001694436.7), dbSNP rs201260331, ClinGen allele CA40712655.

ClinVar aggregate classification (germline): Uncertain significance. Review status: criteria provided, multiple submitters, no conflicts (2 of 4 stars). 3 submissions from 3 submitters: Uncertain significance (3). Last evaluated 2025-05-25.

Conditions:
Autoinflammatory syndrome. Identifiers: Orphanet 93665, MedGen C3890737, MONDO:0019751.
Cryopyrin associated periodic syndrome (CAPS). Identifiers: Orphanet 208650, MedGen C2316212, MONDO:0016168.
Familial cold autoinflammatory syndrome 1 (FCAS1). Also called: Familial cold inflammatory syndrome 1; CRYOPYRIN-ASSOCIATED PERIODIC SYNDROME 1. Identifiers: Orphanet 47045, MedGen C4551895, MONDO:0007349, OMIM 120100.
Hearing loss, autosomal dominant 34, with or without inflammation. Also called: DEAFNESS, AUTOSOMAL DOMINANT 34, WITH OR WITHOUT INFLAMMATION. Identifiers: MedGen C4521680, MONDO:0033261, OMIM 617772.
Familial amyloid nephropathy with urticaria AND deafness (MWS). Also called: UDA SYNDROME; URTICARIA-DEAFNESS-AMYLOIDOSIS SYNDROME; MUCKLE-WELLS SYNDROME; Urticaria, deafness and amyloidosis; CRYOPYRIN-ASSOCIATED PERIODIC SYNDROME 2. Identifiers: Orphanet 575, MedGen C0268390, MONDO:0008633, OMIM 191900.
Keratitis fugax hereditaria. Also called: KERATOENDOTHELIITIS FUGAX HEREDITARIA. Identifiers: Orphanet 647815, MedGen C1835697, MONDO:0007849, OMIM 148200.
Chronic infantile neurological, cutaneous and articular syndrome (CINCA). Also called: CHRONIC NEUROLOGIC CUTANEOUS AND ARTICULAR SYNDROME; Prieur Griscelli syndrome; CINCA syndrome; CRYOPYRIN-ASSOCIATED PERIODIC SYNDROME 3. Identifiers: Orphanet 1451, MedGen C0409818, MONDO:0011776, OMIM 607115.

Allele frequency attached by ClinVar (database versions not stated): gnomAD exomes below 0.00001 and 0.00001; gnomAD 0.00002; TOPMed 0.00002.
gnomAD v4.1: 13 of 1,614,042 alleles (0.00081%); highest among the groups gnomAD compares: African/African-American, 0.0027%; no homozygotes.

Submissions (3):

Labcorp Genetics (formerly Invitae), Labcorp
Classification: Uncertain significance for Cryopyrin associated periodic syndrome. Last evaluated: 2025-05-25. Review status: criteria provided, single submitter. Criteria: Invitae Variant Classification Sherloc (09022015). Collection method: clinical testing. Allele origin: germline.
Comment: This sequence change replaces aspartic acid, which is acidic and polar, with asparagine, which is neutral and polar, at codon 940 of the NLRP3 protein (p.Asp940Asn). This variant is not present in population databases (gnomAD no frequency). This variant has not been reported in the literature in individuals affected with NLRP3-related conditions. ClinVar contains an entry for this variant (Variation ID: 1694436). Invitae Evidence Modeling of protein sequence and biophysical properties (such as structural, functional, and spatial information, amino acid conservation, physicochemical variation, residue mobility, and thermodynamic stability) indicates that this missense variant is not expected to disrupt NLRP3 protein function with a negative predictive value of 95%. In summary, the available evidence is currently insufficient to determine the role of this variant in disease. Therefore, it has been classified as a Variant of Uncertain Significance.

Fulgent Genetics
Classification: Uncertain significance for Familial cold autoinflammatory syndrome 1; Keratitis fugax hereditaria; Familial amyloid nephropathy with urticaria AND deafness; Chronic infantile neurological, cutaneous and articular syndrome; Hearing loss, autosomal dominant 34, with or without inflammation. Last evaluated: 2021-08-23. Review status: criteria provided, single submitter. Criteria: ACMG Guidelines, 2015. Collection method: clinical testing. Allele origin: unknown.

Genome Diagnostics Laboratory, The Hospital for Sick Children
Classification: Uncertain significance for Autoinflammatory syndrome. Last evaluated: 2021-02-01. Review status: criteria provided, single submitter. Criteria: ACMG Guidelines, 2015. Collection method: clinical testing. Allele origin: germline. Affected: yes.